The following is an entry in ClinVar:

NM_001846.4(COL4A2):c.3817C>G (p.Pro1273Ala)

Gene: COL4A2 (collagen type IV alpha 2 chain; plus strand). Cytogenetic location: 13q34.
Variant type: single nucleotide variant.
Coding change: c.3817C>G on transcript NM_001846.4 (MANE Select); coding-DNA position 3817, C replaced by G.
Protein change: p.Pro1273Ala; replaces proline 1273 with alanine.
Molecular consequence: missense variant.
Genome position (GRCh38, 1-based): chr13:110,501,724, C>G. VCF-style: chr13-110501724-C-G. GRCh37 (hg19) VCF-style: chr13-111154071-C-G.
Other names: c.3817C>G (NM_001846.2); short protein forms P1273A.
Identifiers: ClinVar variation 1476886 (VCV001476886.7), dbSNP rs201442362, ClinGen allele CA7050329.

ClinVar aggregate classification (germline): Uncertain significance. Review status: criteria provided, multiple submitters, no conflicts (2 of 4 stars). 2 submissions from 2 submitters: Uncertain significance (2). Last evaluated 2022-07-06.

Conditions:
Inborn genetic diseases. Identifiers: MedGen C0950123, MeSH D030342.

Allele frequency attached by ClinVar (database versions not stated): TOPMed below 0.00001; gnomAD 0.00001; ExAC 0.00002; 1000 Genomes Project 0.00020; 1000 Genomes Project 30x 0.00031.
gnomAD v4.1: 24 of 1,613,810 alleles (0.0015%); highest among the groups gnomAD compares: East Asian, 0.0045%; no homozygotes.

Submissions (2):

Labcorp Genetics (formerly Invitae), Labcorp
Classification: Uncertain significance. Last evaluated: 2022-07-06. Review status: criteria provided, single submitter. Criteria: Invitae Variant Classification Sherloc (09022015). Collection method: clinical testing. Allele origin: germline.
Comment: This variant is present in population databases (rs201442362, gnomAD 0.002%). This variant has not been reported in the literature in individuals affected with COL4A2-related conditions. ClinVar contains an entry for this variant (Variation ID: 1476886). This sequence change replaces proline with alanine at codon 1273 of the COL4A2 protein (p.Pro1273Ala). The proline residue is moderately conserved and there is a small physicochemical difference between proline and alanine. In summary, the available evidence is currently insufficient to determine the role of this variant in disease. Therefore, it has been classified as a Variant of Uncertain Significance. Advanced modeling of protein sequence and biophysical properties (such as structural, functional, and spatial information, amino acid conservation, physicochemical variation, residue mobility, and thermodynamic stability) performed at Invitae indicates that this missense variant is not expected to disrupt COL4A2 protein function.

Ambry Genetics
Classification: Uncertain significance for Inborn genetic diseases. Last evaluated: 2021-09-15. Review status: criteria provided, single submitter. Criteria: Ambry Variant Classification Scheme 2023. Collection method: clinical testing. Allele origin: germline.